The following is an entry in ClinVar:

NM_020937.4(FANCM):c.2746G>A (p.Val916Ile)

Gene: FANCM (FA complementation group M; plus strand). Cytogenetic location: 14q21.2.
Variant type: single nucleotide variant.
Coding change: c.2746G>A on transcript NM_020937.4 (MANE Select); coding-DNA position 2746, G replaced by A.
Protein change: p.Val916Ile; replaces valine 916 with isoleucine.
Molecular consequence: missense variant.
Genome position (GRCh38, 1-based): chr14:45,175,500, G>A. VCF-style: chr14-45175500-G-A. GRCh37 (hg19) VCF-style: chr14-45644703-G-A.
Other names: c.2668G>A, p.Val890Ile (NM_001308133.2); short protein forms V916I, V890I.
Identifiers: ClinVar variation 3512930 (VCV003512930.2).
Genomic context (GRCh38, chr14:45,175,500, plus strand): 5'-AATGATAAAAGGACATCAGATACAGATGAAATTGCTGCCACATGTACTATTAATGAAAAT[G>A]TTATTAAAGAACCGTGTGTGTTATTAACAGAGTGTCAGTTTACAAATAAATCCACTAGTT-3'
Protein context (NP_065988.1, residues 906-926): IAATCTINEN[Val916Ile]IKEPCVLLTE

ClinVar aggregate classification (germline): Uncertain significance. Review status: criteria provided, multiple submitters, no conflicts (2 of 4 stars). 2 submissions from 2 submitters: Uncertain significance (2). Last evaluated 2026-02-04.

Conditions:
Fanconi anemia (FA). Also called: Fanconi's anemia. Identifiers: Orphanet 84, MedGen C0015625, MeSH D005199, MONDO:0019391.
Inborn genetic diseases. Identifiers: MedGen C0950123, MeSH D030342.

Submissions (2):

Labcorp Genetics (formerly Invitae), Labcorp
Classification: Uncertain significance for Fanconi anemia. Last evaluated: 2026-02-04. Review status: criteria provided, single submitter. Criteria: Invitae Variant Classification Sherloc (09022015). Collection method: clinical testing. Allele origin: germline.
Comment: This sequence change replaces valine, which is neutral and non-polar, with isoleucine, which is neutral and non-polar, at codon 916 of the FANCM protein (p.Val916Ile). This variant is not present in population databases (gnomAD no frequency). This variant has not been reported in the literature in individuals affected with FANCM-related conditions. ClinVar contains an entry for this variant (Variation ID: 3512930). An algorithm developed to predict the effect of missense changes on protein structure and function outputs the following: PolyPhen-2: "Benign". The isoleucine amino acid residue is found in multiple mammalian species, which suggests that this missense change does not adversely affect protein function. In summary, the available evidence is currently insufficient to determine the role of this variant in disease. Therefore, it has been classified as a Variant of Uncertain Significance.

Ambry Genetics
Classification: Uncertain significance for Inborn genetic diseases. Last evaluated: 2024-11-26. Review status: criteria provided, single submitter. Criteria: Ambry Variant Classification Scheme 2023. Collection method: clinical testing. Allele origin: germline.
Comment: The p.V916I variant (also known as c.2746G>A), located in coding exon 14 of the FANCM gene, results from a G to A substitution at nucleotide position 2746. The valine at codon 916 is replaced by isoleucine, an amino acid with highly similar properties. This amino acid position is conserved. In addition, this alteration is predicted to be tolerated by in silico analysis. Based on the available evidence, the clinical significance of this variant remains unclear.